The following is an entry in ClinVar:

ClinVar aggregate classification (germline): Conflicting classifications of pathogenicity. Review status: criteria provided, conflicting classifications (1 of 4 stars). 6 submissions from 6 submitters: Uncertain significance (4); Likely benign (1). 1 of the submissions does not count toward it. Last evaluated 2025-11-17.

Conditions:
Hereditary breast ovarian cancer syndrome. Also called: Hereditary breast and ovarian cancer; Hereditary breast and ovarian cancer syndrome; Breast and ovarian cancer; Hereditary breast and ovarian cancer syndrome (HBOC); Hereditary breast and/or ovarian cancer syndrome; BRCA1- and BRCA2-Associated Hereditary Breast and Ovarian Cancer. Identifiers: Orphanet 145, MedGen C0677776, MeSH D061325, MONDO:0003582. Disease mechanism: loss of function.
Hereditary cancer-predisposing syndrome. Also called: Hereditary Cancer Syndrome; Neoplastic Syndromes, Hereditary; Tumor predisposition; Hereditary neoplastic syndrome. Identifiers: Orphanet 140162, MedGen C0027672, MeSH D009386, MONDO:0015356.
Breast-ovarian cancer, familial, susceptibility to, 2 (BROVCA2). Also called: BRCA2 Hereditary Breast and Ovarian Cancer. Identifiers: Orphanet 145, MedGen C2675520, MONDO:0012933, OMIM 612555. Disease mechanism: loss of function.

Allele frequency attached by ClinVar (database versions not stated): gnomAD exomes below 0.00001; TOPMed below 0.00001; ExAC 0.00001; gnomAD 0.00001; ESP Exome Variant Server 0.00008.
gnomAD v4.1: 3 of 1,611,572 alleles (0.00019%); highest among the groups gnomAD compares: African/African-American, 0.004%; no homozygotes.

Submissions (6):

Labcorp Genetics (formerly Invitae), Labcorp
Classification: Uncertain significance for Hereditary breast ovarian cancer syndrome. Last evaluated: 2025-11-17. Review status: criteria provided, single submitter. Criteria: Invitae Variant Classification Sherloc (09022015). Collection method: clinical testing. Allele origin: germline.
Comment: This sequence change replaces asparagine, which is neutral and polar, with serine, which is neutral and polar, at codon 466 of the BRCA2 protein (p.Asn466Ser). This variant is present in population databases (rs370692951, gnomAD 0.007%). This missense change has been observed in individual(s) with clinical features of BRCA2-related conditions (PMID: 21520333). ClinVar contains an entry for this variant (Variation ID: 185897). Invitae Evidence Modeling of protein sequence and biophysical properties (such as structural, functional, and spatial information, amino acid conservation, physicochemical variation, residue mobility, and thermodynamic stability) indicates that this missense variant is not expected to disrupt BRCA2 protein function with a negative predictive value of 95%. In summary, the available evidence is currently insufficient to determine the role of this variant in disease. Therefore, it has been classified as a Variant of Uncertain Significance.

Ambry Genetics
Classification: Uncertain significance for Hereditary cancer-predisposing syndrome. Last evaluated: 2023-12-14. Review status: criteria provided, single submitter. Criteria: Ambry Variant Classification Scheme 2023. Collection method: clinical testing. Allele origin: germline.
Comment: The p.N466S variant (also known as c.1397A>G), located in coding exon 9 of the BRCA2 gene, results from an A to G substitution at nucleotide position 1397. The asparagine at codon 466 is replaced by serine, an amino acid with highly similar properties. This amino acid position is not well conserved in available vertebrate species. In addition, this alteration is predicted to be tolerated by in silico analysis. Since supporting evidence is limited at this time, the clinical significance of this alteration remains unclear.

University of Washington Department of Laboratory Medicine, University of Washington
Classification: Likely benign for Hereditary cancer-predisposing syndrome. Last evaluated: 2023-03-23. Review status: criteria provided, single submitter. Criteria: Dines et al. (Genet Med. 2020). Collection method: curation. Allele origin: germline.
Comment: Missense variant in a coldspot region where missense variants are very unlikely to be pathogenic (PMID:31911673).

BRCA2 exon 10 coldspot. Reclassification based on statistical prior probability.

Mayo Clinic Laboratories, Mayo Clinic
Classification: Uncertain significance. Last evaluated: 2019-06-13. Review status: criteria provided, single submitter. Criteria: ACMG Guidelines, 2015. Collection method: clinical testing. Allele origin: germline. Observed: 1 variant allele.

Quest Diagnostics Nichols Institute San Juan Capistrano
Classification: Uncertain significance. Last evaluated: 2019-04-29. Review status: criteria provided, single submitter. Criteria: Quest Diagnostics criteria. Collection method: clinical testing. Allele origin: germline.

Department of Pathology and Laboratory Medicine, Sinai Health System
Classification: Uncertain significance for Breast-ovarian cancer, familial, susceptibility to, 2. Review status: no assertion criteria provided. Collection method: clinical testing. Allele origin: unknown. Affected: yes. Study: The Canadian Open Genetics Repository (COGR). Not counted in ClinVar's aggregate classification.
Comment: The BRCA2 p.Asn466Ser variant was not identified in the literature nor was it identified in the following databases: COGR, Cosmic, MutDB, UMD-LSDB, BIC, ARUP Laboratories, or Zhejiang University database. The variant was identified in dbSNP (ID: rs370692951) as "With Uncertain significance allele", ClinVar (classified as uncertain significance by Ambry Genetics), and LOVD 3.0. The variant was identified in control databases in 1 of 243078 chromosomes at a frequency of 0.000004 (Genome Aggregation Database Feb 27, 2017). The variant was observed in the African population in 1 of 15230 chromosomes (freq: 0.000066); it was not observed in the Other, Latino, European, Ashkenazi Jewish, East Asian, Finnish, and South Asian populations. The p.Asn466 residue is not conserved in mammals and computational analyses (PolyPhen-2, SIFT, AlignGVGD, BLOSUM, MutationTaster) do not suggest a high likelihood of impact to the protein; however, this information is not predictive enough to rule out pathogenicity. The variant occurs outside of the splicing consensus sequence and 4 of 5 in silico or computational prediction software programs (SpliceSiteFinder, MaxEntScan, NNSPLICE, GeneSplicer, HumanSpliceFinder) predict a greater than 10% difference in splicing; however, this information is not predictive enough to assume pathogenicity. In summary, based on the above information, the clinical significance of this variant cannot be determined with certainty at this time. This variant is classified as a variant of uncertain significance.

Literature cited by the submitters: PubMed 21520333 (cited by Labcorp Genetics (formerly Invitae), Labcorp).

NM_000059.4(BRCA2):c.1397A>G (p.Asn466Ser)

Gene: BRCA2 (BRCA2 DNA repair associated; plus strand). Cytogenetic location: 13q13.1.
Variant type: single nucleotide variant.
Coding change: c.1397A>G on transcript NM_000059.4 (MANE Select); coding-DNA position 1397, A replaced by G.
Protein change: p.Asn466Ser; replaces asparagine 466 with serine.
Molecular consequence: missense variant.
Genome position (GRCh38, 1-based): chr13:32,332,875, A>G. VCF-style: chr13-32332875-A-G. GRCh37 (hg19) VCF-style: chr13-32907012-A-G.
Other names: short protein forms N466S.
Identifiers: ClinVar variation 185897 (VCV000185897.20), dbSNP rs370692951, ClinGen allele CA011894.